The following is an entry in ClinVar:

NM_001278064.2(GRM1):c.1789A>G (p.Ile597Val)

Gene: GRM1 (glutamate metabotropic receptor 1; plus strand). Cytogenetic location: 6q24.3.
Variant type: single nucleotide variant.
Coding change: c.1789A>G on transcript NM_001278064.2 (MANE Select); coding-DNA position 1789, A replaced by G.
Protein change: p.Ile597Val; replaces isoleucine 597 with valine.
Molecular consequence: missense variant.
Genome position (GRCh38, 1-based): chr6:146,398,828, A>G. VCF-style: chr6-146398828-A-G. GRCh37 (hg19) VCF-style: chr6-146719964-A-G.
Other names: c.1789A>G, p.Ile597Val (NM_001278065.2, NM_001278066.1, NM_001278067.1); short protein forms I597V.
Identifiers: ClinVar variation 4695881 (VCV004695881.1).

ClinVar aggregate classification (germline): Uncertain significance (1 of 4 stars; one submission).

gnomAD v4.1: 1 of 1,613,740 alleles (0.000062%); highest among the groups gnomAD compares: Non-Finnish European, 0.000085%; no homozygotes.

Submission:

Labcorp Genetics (formerly Invitae), Labcorp
Classification: Uncertain significance. Last evaluated: 2025-08-18. Review status: criteria provided, single submitter. Criteria: Invitae Variant Classification Sherloc (09022015). Collection method: clinical testing. Allele origin: germline.
Comment: This sequence change replaces isoleucine, which is neutral and non-polar, with valine, which is neutral and non-polar, at codon 597 of the GRM1 protein (p.Ile597Val). This variant is not present in population databases (gnomAD no frequency). This variant has not been reported in the literature in individuals affected with GRM1-related conditions. An algorithm developed to predict the effect of missense changes on protein structure and function outputs the following: PolyPhen-2: "Benign". The valine amino acid residue is found in multiple mammalian species, which suggests that this missense change does not adversely affect protein function. In summary, the available evidence is currently insufficient to determine the role of this variant in disease. Therefore, it has been classified as a Variant of Uncertain Significance.